The following is an entry in ClinVar:

ClinVar aggregate classification (germline): Benign (1 of 4 stars; one submission).

gnomAD v4.1: 16,832 of 1,551,280 alleles (1.1%); highest among the groups gnomAD compares: Non-Finnish European, 1.3%; 124 homozygotes.

Submission:

CeGaT Center for Human Genetics Tuebingen
Classification: Benign. Last evaluated: 2026-02-01. Review status: criteria provided, single submitter. Criteria: CeGaT Center For Human Genetics Tuebingen Variant Classification Criteria Version 2. Collection method: clinical testing. Allele origin: germline. Affected: yes. Observed: 4 variant alleles.
Comment: CEP295: BP4, BP7, BS1, BS2

NM_033395.2(CEP295):c.3786A>G (p.Ala1262=)

Gene: CEP295 (centrosomal protein 295; plus strand). Cytogenetic location: 11q21.
Variant type: single nucleotide variant.
Coding change: c.3786A>G on transcript NM_033395.2 (MANE Select); coding-DNA position 3786, A replaced by G.
Protein change: p.Ala1262=; no amino-acid change (alanine 1262 retained).
Molecular consequence: synonymous variant.
Genome position (GRCh38, 1-based): chr11:93,698,698, A>G. VCF-style: chr11-93698698-A-G. GRCh37 (hg19) VCF-style: chr11-93431864-A-G.
Identifiers: ClinVar variation 3904803 (VCV003904803.10).